The following is an entry in ClinVar:

ClinVar aggregate classification (germline): Uncertain significance (1 of 4 stars; one submission).

Conditions:
Intellectual developmental disorder, autosomal dominant 1. Also called: MBD5 Haploinsufficiency; Intellectual disability, autosomal dominant 1. Identifiers: Orphanet 228402, MedGen C1969562, MONDO:0007974, OMIM 156200.

gnomAD v4.1: 1 of 1,613,830 alleles (0.000062%); highest among the groups gnomAD compares: Non-Finnish European, 0.000085%; no homozygotes.

Submission:

Labcorp Genetics (formerly Invitae), Labcorp
Classification: Uncertain significance for Intellectual developmental disorder, autosomal dominant 1. Last evaluated: 2025-10-04. Review status: criteria provided, single submitter. Criteria: Invitae Variant Classification Sherloc (09022015). Collection method: clinical testing. Allele origin: germline.
Comment: This sequence change replaces glycine, which is neutral and non-polar, with glutamic acid, which is acidic and polar, at codon 724 of the MBD5 protein (p.Gly724Glu). This variant is not present in population databases (gnomAD no frequency). This variant has not been reported in the literature in individuals affected with MBD5-related conditions. Invitae Evidence Modeling of protein sequence and biophysical properties (such as structural, functional, and spatial information, amino acid conservation, physicochemical variation, residue mobility, and thermodynamic stability) indicates that this missense variant is not expected to disrupt MBD5 protein function with a negative predictive value of 80%. In summary, the available evidence is currently insufficient to determine the role of this variant in disease. Therefore, it has been classified as a Variant of Uncertain Significance.

NM_001378120.1(MBD5):c.2171G>A (p.Gly724Glu)

Gene: MBD5 (methyl-CpG binding domain protein 5; plus strand). Cytogenetic location: 2q23.1.
Variant type: single nucleotide variant.
Coding change: c.2171G>A on transcript NM_001378120.1 (MANE Select); coding-DNA position 2171, G replaced by A.
Protein change: p.Gly724Glu; replaces glycine 724 with glutamic acid.
Molecular consequence: missense variant.
Genome position (GRCh38, 1-based): chr2:148,470,114, G>A. VCF-style: chr2-148470114-G-A. GRCh37 (hg19) VCF-style: chr2-149227683-G-A.
Other names: c.2171G>A, p.Gly724Glu (NM_001438854.1, NM_001438855.1, NM_001438856.1 and 7 more transcripts); short protein forms G724E.
Identifiers: ClinVar variation 4742504 (VCV004742504.1).